The following is an entry in ClinVar:

ClinVar aggregate classification (germline): Pathogenic. Review status: criteria provided, multiple submitters, no conflicts (2 of 4 stars). 3 submissions from 3 submitters: Pathogenic (2). 1 of the submissions does not count toward it. Last evaluated 2026-05-19.

Conditions:
Autosomal recessive nonsyndromic hearing loss 9. Also called: NEUROSENSORY NONSYNDROMIC RECESSIVE DEAFNESS 9; OTOF-Related Hearing Loss; Deafness, autosomal recessive 9; AUDITORY NEUROPATHY, AUTOSOMAL RECESSIVE, 1, TEMPERATURE-SENSITIVE. Identifiers: Orphanet 90636, MedGen C1832828, MONDO:0010986, OMIM 601071.
Nonsyndromic genetic hearing loss. Also called: Nonsyndromic hearing loss and deafness; Non-syndromic genetic deafness; Nonsyndromic genetic deafness. Identifiers: Orphanet 87884, MedGen C5680182, MONDO:0019497.

Allele frequency attached by ClinVar (database versions not stated): gnomAD 0.00002; gnomAD exomes 0.00001; TOPMed 0.00001; ExAC 0.00001.
gnomAD v4.1: 13 of 1,613,228 alleles (0.00081%); highest among the groups gnomAD compares: Admixed American, 0.0017%; no homozygotes.

Submissions (3):

Women's Health and Genetics/Laboratory Corporation of America, LabCorp
Classification: Pathogenic for Nonsyndromic genetic hearing loss. Last evaluated: 2026-05-19. Review status: criteria provided, single submitter. Criteria: LabCorp Variant Classification Summary - May 2015. Collection method: clinical testing. Allele origin: germline.
Comment: Variant summary: OTOF c.1498C>T (p.Arg500X) results in a premature termination codon, predicted to cause a truncation of the encoded protein or absence of the protein due to nonsense mediated decay, which are commonly known mechanisms for disease. The variant allele was found at a frequency of 8e-06 in 250976 control chromosomes. c.1498C>T has been observed in individuals affected with OTOF-related conditions (e.g. Wu_2018). To our knowledge, no experimental evidence demonstrating an impact on protein function has been reported. The following publication has been ascertained in the context of this evaluation (PMID: 28766844). ClinVar contains an entry for this variant (Variation ID: 2971423). Based on the evidence outlined above, the variant was classified as pathogenic.

Labcorp Genetics (formerly Invitae), Labcorp
Classification: Pathogenic. Last evaluated: 2023-12-04. Review status: criteria provided, single submitter. Criteria: Invitae Variant Classification Sherloc (09022015). Collection method: clinical testing. Allele origin: germline.
Comment: This sequence change creates a premature translational stop signal (p.Arg500*) in the OTOF gene. It is expected to result in an absent or disrupted protein product. Loss-of-function variants in OTOF are known to be pathogenic (PMID: 18381613, 19250381, 22575033). This variant is present in population databases (rs773543852, gnomAD 0.003%). This premature translational stop signal has been observed in individual(s) with OTOF-related conditions (PMID: 31581539). For these reasons, this variant has been classified as Pathogenic.

Diagnosis and Treatment Center of Genetic Hearing Loss, Eye & ENT Hospital of Fudan University
Classification: Pathogenic for Autosomal recessive nonsyndromic hearing loss 9. Last evaluated: 2026-02-04. Review status: no assertion criteria provided. Collection method: clinical testing. Allele origin: germline. Inheritance: Autosomal recessive inheritance. Affected: yes. Not counted in ClinVar's aggregate classification.
Comment: The c.1498C>T nonsense variant in OTOF leads to a premature stop codon and predicted NMD (PVS1). It has been reported in at least two patients: one in trans with a likely pathogenic variant (c.[1498C>T];[5566C>T]) and one in trans with a VUS (c.[1498C>T];[5098G>C]) (PM3). The maximum population frequency is 0.000032 (PM2_Supporting). The phenotype is consistent with auditory neuropathy (PP4). (PMID: 32860223, 28766844)

Literature cited by the submitters: PubMed 28766844 (cited by Women's Health and Genetics/Laboratory Corporation of America, LabCorp and Diagnosis and Treatment Center of Genetic Hearing Loss, Eye & ENT Hospital of Fudan University); PubMed 18381613 (cited by Labcorp Genetics (formerly Invitae), Labcorp); PubMed 19250381 (cited by Labcorp Genetics (formerly Invitae), Labcorp); PubMed 22575033 (cited by Labcorp Genetics (formerly Invitae), Labcorp); PubMed 31581539 (cited by Labcorp Genetics (formerly Invitae), Labcorp); PubMed 32860223 (cited by Diagnosis and Treatment Center of Genetic Hearing Loss, Eye & ENT Hospital of Fudan University).

NM_194248.3(OTOF):c.1498C>T (p.Arg500Ter)

Gene: OTOF (otoferlin; minus strand). Cytogenetic location: 2p23.3.
Variant type: single nucleotide variant.
Coding change: c.1498C>T on transcript NM_194248.3 (MANE Select); coding-DNA position 1498, C replaced by T.
Protein change: p.Arg500Ter; replaces arginine 500 with a stop codon.
Molecular consequence: nonsense.
Genome position (GRCh38, 1-based): chr2:26,482,487, G>A on the plus strand (C>T on the coding strand, the complement: OTOF is on the minus strand). VCF-style: chr2-26482487-G-A. GRCh37 (hg19) VCF-style: chr2-26705355-G-A.
Other names: c.1498C>T, p.Arg500Ter (NM_001287489.2); short protein forms R500*.
Identifiers: ClinVar variation 2971423 (VCV002971423.5), dbSNP rs773543852, ClinGen allele CA1564258.
Genomic context (GRCh38, chr2:26,482,487, plus strand): 5'-TCTTGCGCAGGTCAATGAAGTGGGTGCCGATGGCCACGTCGTTGACCTTGTCCGAGTCTC[G>A]GATCTGCACCTTCATGCGTTTGCAGAGTGGGGGGAAGAGGTCTGTAAAGACGACCTGCTC-3'